The following is an entry in ClinVar:

ClinVar aggregate classification (germline): Likely benign. Review status: criteria provided, multiple submitters, no conflicts (2 of 4 stars). 2 submissions from 2 submitters: Likely benign (2). Last evaluated 2025-06-03.

Conditions:
Familial Mediterranean fever (FMF). Also called: POLYSEROSITIS, FAMILIAL PAROXYSMAL; POLYSEROSITIS, RECURRENT; Periodic peritonitis; Benign paroxysmal peritonitis. Identifiers: Orphanet 342, MedGen C0031069, MONDO:0018088, OMIM 249100. Disease mechanism: gain of function.

Allele frequency attached by ClinVar (database versions not stated): gnomAD exomes below 0.00001.
gnomAD v4.1: 2 of 1,613,920 alleles (0.00012%); highest among the groups gnomAD compares: Non-Finnish European, 0.00017%; no homozygotes.

Submissions (2):

Labcorp Genetics (formerly Invitae), Labcorp
Classification: Likely benign for Familial Mediterranean fever. Last evaluated: 2025-06-03. Review status: criteria provided, single submitter. Criteria: Invitae Variant Classification Sherloc (09022015). Collection method: clinical testing. Allele origin: germline.

GeneDx
Classification: Likely benign. Last evaluated: 2016-02-01. Review status: criteria provided, single submitter. Criteria: GeneDx Variant Classification (06012015). Collection method: clinical testing. Allele origin: germline. Affected: yes.
Comment: This variant is considered likely benign or benign based on one or more of the following criteria: it is a conservative change, it occurs at a poorly conserved position in the protein, it is predicted to be benign by multiple in silico algorithms, and/or has population frequency not consistent with disease.

NM_000243.3(MEFV):c.1767G>A (p.Glu589=)

Genes: MEFV (MEFV innate immunity regulator, pyrin; minus strand), LOC126862264 (CDK7 strongly-dependent group 2 enhancer GRCh37_chr16:3293322-3294521; plus strand). Cytogenetic location: 16p13.3.
Variant type: single nucleotide variant.
Coding change: c.1767G>A on transcript NM_000243.3 (MANE Select); coding-DNA position 1767, G replaced by A.
Protein change: p.Glu589=; no amino-acid change (glutamic acid 589 retained).
Molecular consequence: synonymous variant. On other transcripts: missense variant (1).
Genome position (GRCh38, 1-based): chr16:3,243,885, C>T on the plus strand (G>A on the coding strand, the complement: MEFV is on the minus strand). VCF-style: chr16-3243885-C-T. GRCh37 (hg19) VCF-style: chr16-3293885-C-T.
Other names: c.1309G>A, p.Ala437Thr (NM_001198536.2); short protein forms A437T.
Identifiers: ClinVar variation 246350 (VCV000246350.4), dbSNP rs879254216, ClinGen allele CA10584528.
Genomic context (GRCh38, chr16:3,243,885, plus strand): 5'-AGGCCAGGGCCACTTGCCTTGATCTGGGCACTTACCAGCATGTGCCTGAGCGCCAATCAG[C>T]TCCGGAACTACGGAGAAAAATCAGATAGGGAAAAAAATCCTGAGCATTAGCATTAAGAGG-3'
Protein context (NP_000234.1, residues 579-599): RSEMEMFNVP[Glu589=]LIGAQAHAVN